The following is an entry in ClinVar:

NM_015627.3(LDLRAP1):c.*238C>T

Gene: LDLRAP1 (low density lipoprotein receptor adaptor protein 1; plus strand). Cytogenetic location: 1p36.11.
Variant type: single nucleotide variant.
Coding change: c.*238C>T on transcript NM_015627.3 (MANE Select); 238 bases downstream of the stop codon, C replaced by T.
Molecular consequence: 3 prime UTR variant.
Genome position (GRCh38, 1-based): chr1:25,567,230, C>T. VCF-style: chr1-25567230-C-T. GRCh37 (hg19) VCF-style: chr1-25893721-C-T.
Identifiers: ClinVar variation 875210 (VCV000875210.4), dbSNP rs114902249, ClinGen allele CA19650026.

ClinVar aggregate classification (germline): Likely benign (1 of 4 stars; one submission).

Conditions:
Hypercholesterolemia, familial, 4 (FHCL4). Also called: HYPERCHOLESTEROLEMIA, AUTOSOMAL RECESSIVE, 1; HYPERCHOLESTEROLEMIA, AUTOSOMAL RECESSIVE, 2. Identifiers: Orphanet 391665, MedGen C1863512, MONDO:0011374, OMIM 603813.

Allele frequency attached by ClinVar (database versions not stated): gnomAD exomes 0.00027; gnomAD 0.00225 and 0.00237; TOPMed 0.00275; 1000 Genomes Project 0.00300; 1000 Genomes Project 30x 0.00422.
gnomAD v4.1: 474 of 582,248 alleles (0.081%); highest among the groups gnomAD compares: African/African-American, 0.69%; 3 homozygotes.

Submission:

Illumina Laboratory Services, Illumina
Classification: Likely benign for Hypercholesterolemia, familial, 4. Last evaluated: 2018-01-13. Review status: criteria provided, single submitter. Criteria: ICSL Variant Classification Criteria 13 December 2019. Collection method: clinical testing. Allele origin: germline.
Comment: This variant was observed in the ICSL laboratory as part of a predisposition screen in an ostensibly healthy population. It had not been previously curated by ICSL or reported in the Human Gene Mutation Database (HGMD: prior to June 1st, 2018), and was therefore a candidate for classification through an automated scoring system. Utilizing variant allele frequency, disease prevalence and penetrance estimates, and inheritance mode, an automated score was calculated to assess if this variant is too frequent to cause the disease. Based on the score and internal cut-off values, a variant classified as likely benign is not then subjected to further curation. The score for this variant resulted in a classification of likely benign for this disease.